The following is an entry in ClinVar:

NM_001040108.2(MLH3):c.4242+5A>G

Gene: MLH3 (mutL homolog 3; minus strand). Cytogenetic location: 14q24.3.
Variant type: single nucleotide variant.
Coding change: c.4242+5A>G on transcript NM_001040108.2 (MANE Select); 5 bases into the intron after coding-DNA position 4242, A replaced by G.
Molecular consequence: intron variant.
Genome position (GRCh38, 1-based): chr14:75,018,824, T>C on the plus strand (A>G on the coding strand, the complement: MLH3 is on the minus strand). VCF-style: chr14-75018824-T-C. GRCh37 (hg19) VCF-style: chr14-75485527-T-C.
Other names: c.4170+5A>G (NM_014381.3).
Identifiers: ClinVar variation 1739007 (VCV001739007.5), dbSNP rs1374491002, ClinGen allele CA615049650.

ClinVar aggregate classification (germline): Likely benign. Review status: criteria provided, multiple submitters, no conflicts (2 of 4 stars). 2 submissions from 2 submitters: Likely benign (2). Last evaluated 2026-04-28.

Conditions:
Colorectal cancer, hereditary nonpolyposis, type 7. Identifiers: Orphanet 144, MedGen C1858380, MONDO:0013725, OMIM 614385.

Allele frequency attached by ClinVar (database versions not stated): TOPMed below 0.00001; gnomAD 0.00001.
gnomAD v4.1: 1 of 1,614,052 alleles (0.000062%); highest among the groups gnomAD compares: African/African-American, 0.0013%; no homozygotes.

Submissions (2):

Myriad Genetics, Inc.
Classification: Likely benign for Colorectal cancer, hereditary nonpolyposis, type 7. Last evaluated: 2026-04-28. Review status: criteria provided, single submitter. Criteria: Myriad Autosomal Dominant, Autosomal Recessive and X-Linked Classification Criteria (2023). Collection method: clinical testing. Allele origin: unknown.
Comment: This variant is considered likely benign. This variant is intronic and is not expected to impact mRNA splicing.

Ambry Genetics
Classification: Likely benign. Last evaluated: 2026-03-16. Review status: criteria provided, single submitter. Criteria: Ambry Variant Classification Scheme 2023. Collection method: clinical testing. Allele origin: germline.